The following is an entry in ClinVar:

ClinVar aggregate classification (germline): Uncertain significance (1 of 4 stars; one submission).

Conditions:
Hereditary cancer-predisposing syndrome. Also called: Tumor predisposition; Neoplastic Syndromes, Hereditary; Hereditary Cancer Syndrome; Hereditary neoplastic syndrome. Identifiers: Orphanet 140162, MedGen C0027672, MeSH D009386, MONDO:0015356.

Submission:

Ambry Genetics
Classification: Uncertain significance for Hereditary cancer-predisposing syndrome. Last evaluated: 2024-07-09. Review status: criteria provided, single submitter. Criteria: Ambry Variant Classification Scheme 2023. Collection method: clinical testing. Allele origin: germline.
Comment: The p.D23N variant (also known as c.67G>A), located in coding exon 1 of the CDC73 gene, results from a G to A substitution at nucleotide position 67. The aspartic acid at codon 23 is replaced by asparagine, an amino acid with highly similar properties. This amino acid position is conserved. In addition, this alteration is predicted to be tolerated by in silico analysis. Based on the available evidence, the clinical significance of this variant remains unclear.

NM_024529.5(CDC73):c.67G>A (p.Asp23Asn)

Gene: CDC73 (cell division cycle 73; plus strand). Cytogenetic location: 1q31.2.
Variant type: single nucleotide variant.
Coding change: c.67G>A on transcript NM_024529.5 (MANE Select); coding-DNA position 67, G replaced by A.
Protein change: p.Asp23Asn; replaces aspartic acid 23 with asparagine.
Molecular consequence: missense variant.
Genome position (GRCh38, 1-based): chr1:193,122,267, G>A. VCF-style: chr1-193122267-G-A. GRCh37 (hg19) VCF-style: chr1-193091397-G-A.
Other names: short protein forms D23N.
Identifiers: ClinVar variation 3488504 (VCV003488504.1).
Genomic context (GRCh38, chr1:193,122,267, plus strand): 5'-GACGTGCTTAGCGTCCTGCGACAGTACAACATCCAGAAGAAGGAGATTGTGGTGAAGGGA[G>A]ACGAAGTGATCTTCGGGGAGTTCTCCTGGCCCAAGAATGTGAAGACCAACTATGTTGTTT-3'
Protein context (NP_078805.3, residues 13-33): IQKKEIVVKG[Asp23Asn]EVIFGEFSWP